The following is an entry in ClinVar:

ClinVar aggregate classification (germline): Uncertain significance (1 of 4 stars; one submission).

Conditions:
Deficiency of hyaluronoglucosaminidase (MPS9). Also called: HYALURONIDASE DEFICIENCY; Mucopolysaccharidosis type 9; MPS IX. Identifiers: Orphanet 67041, MedGen C1291490, MONDO:0011093, OMIM 601492.

Allele frequency attached by ClinVar (database versions not stated): 1000 Genomes Project 30x 0.00016; 1000 Genomes Project 0.00020; ESP Exome Variant Server 0.00023.
gnomAD v4.1: 246 of 1,603,102 alleles (0.015%); highest among the groups gnomAD compares: South Asian, 0.11%; 2 homozygotes.

Submission:

Labcorp Genetics (formerly Invitae), Labcorp
Classification: Uncertain significance for Deficiency of hyaluronoglucosaminidase. Last evaluated: 2022-07-20. Review status: criteria provided, single submitter. Criteria: Invitae Variant Classification Sherloc (09022015). Collection method: clinical testing. Allele origin: germline.
Comment: This sequence change replaces aspartic acid, which is acidic and polar, with histidine, which is basic and polar, at codon 17 of the HYAL1 protein (p.Asp17His). This variant is present in population databases (rs148307635, gnomAD 0.08%). This variant has not been reported in the literature in individuals affected with HYAL1-related conditions. Algorithms developed to predict the effect of missense changes on protein structure and function output the following: SIFT: "Tolerated"; PolyPhen-2: "Benign"; Align-GVGD: "Class C0". The histidine amino acid residue is found in multiple mammalian species, which suggests that this missense change does not adversely affect protein function. In summary, the available evidence is currently insufficient to determine the role of this variant in disease. Therefore, it has been classified as a Variant of Uncertain Significance.

NM_033159.4(HYAL1):c.49G>C (p.Asp17His)

Gene: HYAL1 (hyaluronidase 1; minus strand). Cytogenetic location: 3p21.31.
Variant type: single nucleotide variant.
Coding change: c.49G>C on transcript NM_033159.4 (MANE Select); coding-DNA position 49, G replaced by C.
Protein change: p.Asp17His; replaces aspartic acid 17 with histidine.
Molecular consequence: missense variant. On other transcripts: non-coding transcript variant (1), intron variant (2).
Genome position (GRCh38, 1-based): chr3:50,302,908, C>G on the plus strand (G>C on the coding strand, the complement: HYAL1 is on the minus strand). VCF-style: chr3-50302908-C-G. GRCh37 (hg19) VCF-style: chr3-50340339-C-G.
Other names: c.49G>C, p.Asp17His (NM_007312.3, NM_153281.2, NM_153282.3); c.-27+558G>C (NM_153285.3); c.-213-285G>C (NM_153283.3); short protein forms D17H.
Identifiers: ClinVar variation 2063762 (VCV002063762.1), dbSNP rs148307635, ClinGen allele CA2416028.